The following is an entry in ClinVar:

NM_000540.3(RYR1):c.8094G>A (p.Met2698Ile)

Gene: RYR1 (ryanodine receptor 1; plus strand). Cytogenetic location: 19q13.2.
Variant type: single nucleotide variant.
Coding change: c.8094G>A on transcript NM_000540.3 (MANE Select); coding-DNA position 8094, G replaced by A.
Protein change: p.Met2698Ile; replaces methionine 2698 with isoleucine.
Molecular consequence: missense variant.
Genome position (GRCh38, 1-based): chr19:38,504,774, G>A. VCF-style: chr19-38504774-G-A. GRCh37 (hg19) VCF-style: chr19-38995414-G-A.
Other names: c.8094G>A, p.Met2698Ile (NM_001042723.2); short protein forms M2698I.
Identifiers: ClinVar variation 4757655 (VCV004757655.1).

ClinVar aggregate classification (germline): Uncertain significance (1 of 4 stars; one submission).

Conditions:
Malignant hyperthermia, susceptibility to, 1 (MHS1). Also called: RYR1-Related Malignant Hyperthermia Susceptibility; Malignant hyperthermia suceptibility 1; Anesthesia related hyperthermia; Malignant hyperpyrexia; Fulminating hyperpyrexia; Pharmacogenic myopathy. Identifiers: Orphanet 423, MedGen C2930980, MONDO:0007783, OMIM 145600.

Submission:

Color Diagnostics, LLC DBA Color Health
Classification: Uncertain significance for Malignant hyperthermia, susceptibility to, 1. Last evaluated: 2025-07-28. Review status: criteria provided, single submitter. Criteria: ACMG Guidelines, 2015. Collection method: clinical testing. Allele origin: germline.
Comment: This missense variant replaces methionine with isoleucine at codon 2698 of the RYR1 protein. Computational prediction suggests that this variant may not impact protein structure and function. To our knowledge, functional studies have not been reported for this variant. This variant has not been reported in individuals affected with RYR1-related disorders in the literature. This variant has not been identified in the general population by the Genome Aggregation Database (gnomAD). The available evidence is insufficient to determine the role of this variant in disease conclusively. Therefore, this variant is classified as a Variant of Uncertain Significance.